The following is an entry in ClinVar:

ClinVar aggregate classification (germline): Uncertain significance (1 of 4 stars; one submission).

Conditions:
Cardiovascular phenotype. Identifiers: MedGen CN230736.

Allele frequency attached by ClinVar (database versions not stated): TOPMed 0.00001; gnomAD 0.00003.
gnomAD v4.1: 3 of 1,613,816 alleles (0.00019%); highest among the groups gnomAD compares: African/African-American, 0.0027%; no homozygotes.

Submission:

Ambry Genetics
Classification: Uncertain significance for Cardiovascular phenotype. Last evaluated: 2017-07-17. Review status: criteria provided, single submitter. Criteria: Ambry Variant Classification Scheme 2023. Collection method: clinical testing. Allele origin: germline.
Comment: The p.E20187K variant (also known as c.60559G>A), located in coding exon 156 of the TTN gene, results from a G to A substitution at nucleotide position 60559. The glutamic acid at codon 20187 is replaced by lysine, an amino acid with some similar properties. This amino acid position is highly conserved in available vertebrate species. In addition, this alteration is predicted to be tolerated by in silico analysis. Since supporting evidence is limited at this time, the clinical significance of this alteration remains unclear.

NM_001267550.2(TTN):c.87754G>A (p.Glu29252Lys)

Genes: TTN (titin; minus strand), TTN-AS1 (TTN antisense RNA 1; plus strand). Cytogenetic location: 2q31.2.
Variant type: single nucleotide variant.
Coding change: c.87754G>A on transcript NM_001267550.2 (MANE Select); coding-DNA position 87754, G replaced by A.
Protein change: p.Glu29252Lys; replaces glutamic acid 29252 with lysine.
Molecular consequence: missense variant.
Genome position (GRCh38, 1-based): chr2:178,557,508, C>T on the plus strand (G>A on the coding strand, the complement: TTN is on the minus strand). VCF-style: chr2-178557508-C-T. GRCh37 (hg19) VCF-style: chr2-179422235-C-T.
Other names: c.82831G>A, p.Glu27611Lys (NM_001256850.1); c.60559G>A, p.Glu20187Lys (NM_003319.4); c.80050G>A, p.Glu26684Lys (NM_133378.4); c.60934G>A, p.Glu20312Lys (NM_133432.3); c.61135G>A, p.Glu20379Lys (NM_133437.4); short protein forms E20187K, E29252K, E27611K, E20312K, E20379K, E26684K.
Identifiers: ClinVar variation 519014 (VCV000519014.5), dbSNP rs1164269030, ClinGen allele CA349534442.